The following is an entry in ClinVar:

NM_000540.3(RYR1):c.1312G>C (p.Glu438Gln)

Gene: RYR1 (ryanodine receptor 1; plus strand). Cytogenetic location: 19q13.2.
Variant type: single nucleotide variant.
Coding change: c.1312G>C on transcript NM_000540.3 (MANE Select); coding-DNA position 1312, G replaced by C.
Protein change: p.Glu438Gln; replaces glutamic acid 438 with glutamine.
Molecular consequence: missense variant.
Genome position (GRCh38, 1-based): chr19:38,452,886, G>C. VCF-style: chr19-38452886-G-C. GRCh37 (hg19) VCF-style: chr19-38943526-G-C.
Other names: c.1312G>C, p.Glu438Gln (NM_001042723.2); short protein forms E438Q.
Identifiers: ClinVar variation 599010 (VCV000599010.7), dbSNP rs765668209, ClinGen allele CA405685664.

ClinVar aggregate classification (germline): Uncertain significance. Review status: criteria provided, multiple submitters, no conflicts (2 of 4 stars). 3 submissions from 3 submitters: Uncertain significance (3). Last evaluated 2023-07-19.

Conditions:
Malignant hyperthermia, susceptibility to, 1 (MHS1). Also called: Anesthesia related hyperthermia; Malignant hyperpyrexia; Fulminating hyperpyrexia; Pharmacogenic myopathy; RYR1-Related Malignant Hyperthermia Susceptibility; Malignant hyperthermia suceptibility 1. Identifiers: Orphanet 423, MedGen C2930980, MONDO:0007783, OMIM 145600.

Allele frequency attached by ClinVar (database versions not stated): TOPMed 0.00001.
gnomAD v4.1: 9 of 1,612,230 alleles (0.00056%); highest among the groups gnomAD compares: Non-Finnish European, 0.00076%; no homozygotes.

Submissions (3):

All of Us Research Program, National Institutes of Health
Classification: Uncertain significance for Malignant hyperthermia, susceptibility to, 1. Last evaluated: 2023-07-19. Review status: criteria provided, single submitter. Criteria: ACMG Guidelines, 2015. Collection method: clinical testing. Allele origin: germline. Inheritance: Autosomal dominant inheritance. Observed: 1 variant allele, 1 heterozygote.
Comment: This missense variant replaces glutamic acid with glutamine at codon 438 of the RYR1 protein. Computational prediction is inconclusive regarding the impact of this variant on protein structure and function (internally defined REVEL score threshold 0.5 < inconclusive < 0.7, PMID: 27666373). To our knowledge, functional studies have not been reported for this variant. This variant has been reported in an individual with developmental abnormalities (PMID: 30755392). This variant has not been identified in the general population by the Genome Aggregation Database (gnomAD). The available evidence is insufficient to determine the role of this variant in disease conclusively. Therefore, this variant is classified as a Variant of Uncertain Significance.

This study involves interpretation of variants in research participants for the purpose of population health screening. Participant phenotype was not available at the time of variant classification. Additional details can be found in publication PMID: 35346344, PMCID: PMC8962531

Center for Personalized Medicine, Children's Hospital Los Angeles
Classification: Uncertain significance. Last evaluated: 2018-11-19. Review status: criteria provided, single submitter. Criteria: ACMG Guidelines, 2015. Collection method: clinical testing. Allele origin: germline. Affected: yes.

GeneDx
Classification: Uncertain significance. Last evaluated: 2017-11-15. Review status: criteria provided, single submitter. Criteria: GeneDx Variant Classification Process June 2021. Collection method: clinical testing. Allele origin: germline. Affected: yes.
Comment: Not observed in large population cohorts (Lek et al., 2016; McVean et al., 2012; Exome Variant Server); In silico analyses, including protein predictors and evolutionary conservation, support that this variant does not alter protein structure/function; Has not been previously published as pathogenic or benign to our knowledge; This variant is associated with the following publications: (PMID: 30755392)

Literature cited by the submitters: PubMed 30755392 (cited by All of Us Research Program, National Institutes of Health).